The following is an entry in ClinVar:

NM_145290.4(ADGRA3):c.1934A>G (p.Lys645Arg)

Gene: ADGRA3 (adhesion G protein-coupled receptor A3; minus strand). Cytogenetic location: 4p15.2.
Variant type: single nucleotide variant.
Coding change: c.1934A>G on transcript NM_145290.4 (MANE Select); coding-DNA position 1934, A replaced by G.
Protein change: p.Lys645Arg; replaces lysine 645 with arginine.
Molecular consequence: missense variant.
Genome position (GRCh38, 1-based): chr4:22,413,690, T>C on the plus strand (A>G on the coding strand, the complement: ADGRA3 is on the minus strand). VCF-style: chr4-22413690-T-C. GRCh37 (hg19) VCF-style: chr4-22415313-T-C.
Other names: short protein forms K645R.
Identifiers: ClinVar variation 1914976 (VCV001914976.5), dbSNP rs367787883, ClinGen allele CA2873781.

ClinVar aggregate classification (germline): Uncertain significance (1 of 4 stars; one submission).

Allele frequency attached by ClinVar (database versions not stated): ExAC 0.00001; gnomAD 0.00001; TOPMed 0.00002; ESP Exome Variant Server 0.00008.
gnomAD v4.1: 2 of 1,613,888 alleles (0.00012%); highest among the groups gnomAD compares: African/African-American, 0.0027%; no homozygotes.

Submission:

Labcorp Genetics (formerly Invitae), Labcorp
Classification: Uncertain significance. Last evaluated: 2022-04-23. Review status: criteria provided, single submitter. Criteria: Invitae Variant Classification Sherloc (09022015). Collection method: clinical testing. Allele origin: germline.
Comment: This sequence change replaces lysine, which is basic and polar, with arginine, which is basic and polar, at codon 645 of the ADGRA3 protein (p.Lys645Arg). This variant is present in population databases (rs367787883, gnomAD 0.007%). In summary, the available evidence is currently insufficient to determine the role of this variant in disease. Therefore, it has been classified as a Variant of Uncertain Significance. Algorithms developed to predict the effect of missense changes on protein structure and function (SIFT, PolyPhen-2, Align-GVGD) all suggest that this variant is likely to be disruptive. This variant has not been reported in the literature in individuals affected with ADGRA3-related conditions.